The following is an entry in ClinVar:

NM_001035.3(RYR2):c.12431G>T (p.Arg4144Leu)

Genes: RYR2 (ryanodine receptor 2; plus strand), LOC126806068 (BRD4-independent group 4 enhancer GRCh37_chr1:237947411-237948610; plus strand). Cytogenetic location: 1q43.
Variant type: single nucleotide variant.
Coding change: c.12431G>T on transcript NM_001035.3 (MANE Select); coding-DNA position 12431, G replaced by T.
Protein change: p.Arg4144Leu; replaces arginine 4144 with leucine.
Molecular consequence: missense variant.
Genome position (GRCh38, 1-based): chr1:237,784,143, G>T. VCF-style: chr1-237784143-G-T. GRCh37 (hg19) VCF-style: chr1-237947443-G-T.
Other names: short protein forms R4144L.
Identifiers: ClinVar variation 3633837 (VCV003633837.2).

ClinVar aggregate classification (germline): Pathogenic (1 of 4 stars; one submission).

Conditions:
Catecholaminergic polymorphic ventricular tachycardia 1. Also called: VENTRICULAR TACHYCARDIA, CATECHOLAMINERGIC POLYMORPHIC, 1, WITH OR WITHOUT ATRIAL DYSFUNCTION AND/OR DILATED CARDIOMYOPATHY; RYR2-Related Catecholaminergic Polymorphic Ventricular Tachycardia; VENTRICULAR TACHYCARDIA, STRESS-INDUCED POLYMORPHIC 1. Identifiers: Orphanet 3286, MedGen C1631597, MONDO:0011484, OMIM 604772.

Submission:

Labcorp Genetics (formerly Invitae), Labcorp
Classification: Pathogenic for Catecholaminergic polymorphic ventricular tachycardia 1. Last evaluated: 2025-01-13. Review status: criteria provided, single submitter. Criteria: Invitae Variant Classification Sherloc (09022015). Collection method: clinical testing. Allele origin: germline.
Comment: This sequence change replaces arginine, which is basic and polar, with leucine, which is neutral and non-polar, at codon 4144 of the RYR2 protein (p.Arg4144Leu). This variant is not present in population databases (gnomAD no frequency). This missense change has been observed in individual(s) with clinical features of catecholaminergic polymorphic ventricular tachycardia (internal data). In at least one individual the variant was observed to be de novo. Invitae Evidence Modeling of protein sequence and biophysical properties (such as structural, functional, and spatial information, amino acid conservation, physicochemical variation, residue mobility, and thermodynamic stability) indicates that this missense variant is expected to disrupt RYR2 protein function with a positive predictive value of 95%. For these reasons, this variant has been classified as Pathogenic.